The following is an entry in ClinVar:

NM_000130.5(F5):c.5694G>A (p.Thr1898=)

Gene: F5 (coagulation factor V; minus strand). Cytogenetic location: 1q24.2.
Variant type: single nucleotide variant.
Coding change: c.5694G>A on transcript NM_000130.5 (MANE Select); coding-DNA position 5694, G replaced by A.
Protein change: p.Thr1898=; no amino-acid change (threonine 1898 retained).
Molecular consequence: synonymous variant.
Genome position (GRCh38, 1-based): chr1:169,525,923, C>T on the plus strand (G>A on the coding strand, the complement: F5 is on the minus strand). VCF-style: chr1-169525923-C-T. GRCh37 (hg19) VCF-style: chr1-169495161-C-T.
Identifiers: ClinVar variation 1749103 (VCV001749103.7), dbSNP rs112493466, ClinGen allele CA1233438.

ClinVar aggregate classification (germline): Benign/Likely benign. Review status: criteria provided, multiple submitters, no conflicts (2 of 4 stars). 3 submissions from 3 submitters: Benign (1); Likely benign (1). 1 of the submissions does not count toward it. Last evaluated 2025-08-30.

Conditions:
F5-related disorder. Also called: F5-related condition.
Inborn genetic diseases. Identifiers: MedGen C0950123, MeSH D030342.
Congenital factor V deficiency. Also called: LABILE FACTOR DEFICIENCY; OWREN PARAHEMOPHILIA; PARAHEMOPHILIA; Hereditary factor V deficiency disease. Identifiers: Orphanet 326, MedGen C0015499, MONDO:0009210, OMIM 227400.

Allele frequency attached by ClinVar (database versions not stated): TOPMed 0.00062; gnomAD 0.00060; 1000 Genomes Project 30x 0.00078; ESP Exome Variant Server 0.00069; 1000 Genomes Project 0.00080.

Submissions (3):

Labcorp Genetics (formerly Invitae), Labcorp
Classification: Benign for Congenital factor V deficiency. Last evaluated: 2025-08-30. Review status: criteria provided, single submitter. Criteria: Invitae Variant Classification Sherloc (09022015). Collection method: clinical testing. Allele origin: germline.

Ambry Genetics
Classification: Likely benign for Inborn genetic diseases. Last evaluated: 2022-09-16. Review status: criteria provided, single submitter. Criteria: Ambry Variant Classification Scheme 2023. Collection method: clinical testing. Allele origin: germline.

PreventionGenetics, part of Exact Sciences
Classification: Likely benign for F5-related condition. Last evaluated: 2021-03-03. Review status: no assertion criteria provided. Collection method: clinical testing. Allele origin: germline. Not counted in ClinVar's aggregate classification.
Comment: This variant is classified as likely benign based on ACMG/AMP sequence variant interpretation guidelines (Richards et al. 2015 PMID: 25741868, with internal and published modifications).